The following is an entry in ClinVar:

ClinVar aggregate classification (germline): Uncertain significance (1 of 4 stars; one submission).

Submission:

Labcorp Genetics (formerly Invitae), Labcorp
Classification: Uncertain significance. Last evaluated: 2022-08-08. Review status: criteria provided, single submitter. Criteria: Invitae Variant Classification Sherloc (09022015). Collection method: clinical testing. Allele origin: germline.
Comment: This sequence change replaces threonine, which is neutral and polar, with alanine, which is neutral and non-polar, at codon 1035 of the UBE3B protein (p.Thr1035Ala). This variant is not present in population databases (gnomAD no frequency). This variant has not been reported in the literature in individuals affected with UBE3B-related conditions. Algorithms developed to predict the effect of missense changes on protein structure and function are either unavailable or do not agree on the potential impact of this missense change (SIFT: "Deleterious"; PolyPhen-2: "Probably Damaging"; Align-GVGD: "Class C0"). In summary, the available evidence is currently insufficient to determine the role of this variant in disease. Therefore, it has been classified as a Variant of Uncertain Significance.

NM_130466.4(UBE3B):c.3103A>G (p.Thr1035Ala)

Gene: UBE3B (ubiquitin protein ligase E3B; plus strand). Cytogenetic location: 12q24.11.
Variant type: single nucleotide variant.
Coding change: c.3103A>G on transcript NM_130466.4 (MANE Select); coding-DNA position 3103, A replaced by G.
Protein change: p.Thr1035Ala; replaces threonine 1035 with alanine.
Molecular consequence: missense variant.
Genome position (GRCh38, 1-based): chr12:109,534,678, A>G. VCF-style: chr12-109534678-A-G. GRCh37 (hg19) VCF-style: chr12-109972483-A-G.
Other names: c.3103A>G, p.Thr1035Ala (NM_183415.3); short protein forms T1035A.
Identifiers: ClinVar variation 1715730 (VCV001715730.5), dbSNP rs1316399177, ClinGen allele CA386631816.
Genomic context (GRCh38, chr12:109,534,678, plus strand): 5'-CTCCGGGGCTTCTTCACCATCCGCAAGCGGGAGCCAGGCGGCCGCCTGCCCACCTCCTCC[A>G]CCTGCTTCAACCTGCTCAAGCTGCCCAACTACAGCAAGAAGAGCGTCCTCCGCGAGAAGC-3'
Protein context (NP_569733.2, residues 1025-1045): EPGGRLPTSS[Thr1035Ala]CFNLLKLPNY